The following is an entry in ClinVar:

ClinVar aggregate classification (germline): Conflicting classifications of pathogenicity. Review status: criteria provided, conflicting classifications (1 of 4 stars). 8 submissions from 7 submitters: Uncertain significance (1); Benign (2); Likely benign (5). Last evaluated 2026-01-27.

Conditions:
Holoprosencephaly 7 (HPE7). Identifiers: Orphanet 2162, MedGen C1835820, MONDO:0012562, OMIM 610828.
Basal cell carcinoma, susceptibility to, 1. Also called: BCC1. Identifiers: MedGen C2751544, MONDO:0011556, OMIM 605462.
Basal cell nevus syndrome 1 (BCNS1). Also called: GORLIN-GOLTZ SYNDROME; MULTIPLE BASAL CELL NEVI, ODONTOGENIC KERATOCYSTS, AND SKELETAL ANOMALIES. Identifiers: MedGen CN376810, MONDO:0958174, OMIM 109400.
Hereditary cancer-predisposing syndrome. Also called: Tumor predisposition; Hereditary neoplastic syndrome; Neoplastic Syndromes, Hereditary; Hereditary Cancer Syndrome. Identifiers: Orphanet 140162, MedGen C0027672, MeSH D009386, MONDO:0015356.
Gorlin syndrome. Also called: Nevoid Basal Cell Carcinoma Syndrome; Basal cell nevus syndrome. Identifiers: Orphanet 377, MedGen C0004779, MONDO:0007187.

Allele frequency attached by ClinVar (database versions not stated): TOPMed 0.00009.

Submissions (8):

Labcorp Genetics (formerly Invitae), Labcorp
Classification: Benign for Gorlin syndrome. Last evaluated: 2026-01-27. Review status: criteria provided, single submitter. Criteria: Invitae Variant Classification Sherloc (09022015). Collection method: clinical testing. Allele origin: germline.

Department of Pathology and Laboratory Medicine, Sinai Health System
Classification: Likely benign for Basal cell nevus syndrome 1; Basal cell carcinoma, susceptibility to, 1; Holoprosencephaly 7. Last evaluated: 2024-07-11. Review status: criteria provided, single submitter. Criteria: ACMG Guidelines, 2015. Collection method: clinical testing. Allele origin: germline.

Blueprint Genetics
Classification: Likely benign. Last evaluated: 2024-03-05. Review status: criteria provided, single submitter. Criteria: ACMG Guidelines, 2015. Collection method: clinical testing. Allele origin: germline.

Quest Diagnostics Nichols Institute San Juan Capistrano
Classification: Benign. Last evaluated: 2022-11-01. Review status: criteria provided, single submitter. Criteria: Quest Diagnostics criteria. Collection method: clinical testing. Allele origin: unknown.

Sema4
Classification: Likely benign for Hereditary cancer-predisposing syndrome. Last evaluated: 2021-01-08. Review status: criteria provided, single submitter. Criteria: Sema4 Curation Guidelines. Collection method: curation. Allele origin: germline.

Illumina Laboratory Services, Illumina
Classification: Uncertain significance for Holoprosencephaly 7. Last evaluated: 2018-01-13. Review status: criteria provided, single submitter. Criteria: ICSL Variant Classification Criteria 13 December 2019. Collection method: clinical testing. Allele origin: germline.

Illumina Laboratory Services, Illumina
Classification: Likely benign for Basal cell nevus syndrome 1. Last evaluated: 2018-01-13. Review status: criteria provided, single submitter. Criteria: ICSL Variant Classification Criteria 13 December 2019. Collection method: clinical testing. Allele origin: germline.
Comment: This variant was observed in the ICSL laboratory as part of a predisposition screen in an ostensibly healthy population. It had not been previously curated by ICSL or reported in the Human Gene Mutation Database (HGMD: prior to June 1st, 2018), and was therefore a candidate for classification through an automated scoring system. Utilizing variant allele frequency, disease prevalence and penetrance estimates, and inheritance mode, an automated score was calculated to assess if this variant is too frequent to cause the disease. Based on the score and internal cut-off values, a variant classified as likely benign is not then subjected to further curation. The score for this variant resulted in a classification of likely benign for this disease.

Ambry Genetics
Classification: Likely benign for Hereditary cancer-predisposing syndrome. Last evaluated: 2017-07-03. Review status: criteria provided, single submitter. Criteria: Ambry Variant Classification Scheme 2023. Collection method: clinical testing. Allele origin: germline.

NM_000264.5(PTCH1):c.3624C>A (p.Ala1208=)

Gene: PTCH1 (patched 1; minus strand). Cytogenetic location: 9q22.32.
Variant type: single nucleotide variant.
Coding change: c.3624C>A on transcript NM_000264.5 (MANE Select); coding-DNA position 3624, C replaced by A.
Protein change: p.Ala1208=; no amino-acid change (alanine 1208 retained).
Molecular consequence: synonymous variant. On other transcripts: non-coding transcript variant (1).
Genome position (GRCh38, 1-based): chr9:95,449,249, G>T on the plus strand (C>A on the coding strand, the complement: PTCH1 is on the minus strand). VCF-style: chr9-95449249-G-T. GRCh37 (hg19) VCF-style: chr9-98211531-G-T.
Other names: c.3426C>A, p.Ala1142= (NM_001083602.3); c.3621C>A, p.Ala1207= (NM_001083603.3); c.3171C>A, p.Ala1057= (NM_001083604.3, NM_001083605.3, NM_001083606.3 and 1 more transcripts); c.3468C>A, p.Ala1156= (NM_001354918.2); c.3624C>A (NM_000264.4).
Identifiers: ClinVar variation 135894 (VCV000135894.23), dbSNP rs149691476, ClinGen allele CA332543.
Genomic context (GRCh38, chr9:95,449,249, plus strand): 5'-CTGGGAACTATACTCCGAGTCGGAGGAATCAGACCCGCTGTGCGTGTGGCCGGGCGGCAT[G>T]GCGAAGCGGACCACGCTGGGGGGTGGCTCAGGGGAGGGTGTGGGCAGGCGGTTCAAGCCG-3'
Protein context (NP_000255.2, residues 1198-1218): PEPPPSVVRF[Ala1208=]MPPGHTHSGS